The following is an entry in ClinVar:

NM_181426.2(CCDC39):c.1897A>C (p.Ser633Arg)

Gene: CCDC39 (coiled-coil domain 39 molecular ruler complex subunit; minus strand). Cytogenetic location: 3q26.33.
Variant type: single nucleotide variant.
Coding change: c.1897A>C on transcript NM_181426.2 (MANE Select); coding-DNA position 1897, A replaced by C.
Protein change: p.Ser633Arg; replaces serine 633 with arginine.
Molecular consequence: missense variant.
Genome position (GRCh38, 1-based): chr3:180,631,570, T>G on the plus strand (A>C on the coding strand, the complement: CCDC39 is on the minus strand). VCF-style: chr3-180631570-T-G. GRCh37 (hg19) VCF-style: chr3-180349358-T-G.
Other names: short protein forms S633R.
Identifiers: ClinVar variation 5033795 (VCV005033795.1).

ClinVar aggregate classification (germline): Uncertain significance (1 of 4 stars; one submission).

Conditions:
Primary ciliary dyskinesia. Also called: Ciliary dyskinesia. Identifiers: Orphanet 244, MedGen C0008780, MONDO:0016575, HP:0012265.

gnomAD v4.1: 6 of 1,608,214 alleles (0.00037%); highest among the groups gnomAD compares: Admixed American, 0.01%; no homozygotes.

Submission:

Ambry Genetics
Classification: Uncertain significance for Primary ciliary dyskinesia. Last evaluated: 2026-07-04. Review status: criteria provided, single submitter. Criteria: Ambry Variant Classification Scheme 2023. Collection method: clinical testing. Allele origin: germline.
Comment: The p.S633R variant (also known as c.1897A>C), located in coding exon 14 of the CCDC39 gene, results from an A to C substitution at nucleotide position 1897. The serine at codon 633 is replaced by arginine, an amino acid with dissimilar properties. This amino acid position is conserved. In addition, the in silico prediction for this alteration is inconclusive. Based on the available evidence, the clinical significance of this variant remains unclear.